The following is an entry in ClinVar:

NM_002471.4(MYH6):c.3428G>A (p.Arg1143Gln)

Gene: MYH6 (myosin heavy chain 6; minus strand). Cytogenetic location: 14q11.2.
Variant type: single nucleotide variant.
Coding change: c.3428G>A on transcript NM_002471.4 (MANE Select); coding-DNA position 3428, G replaced by A.
Protein change: p.Arg1143Gln; replaces arginine 1143 with glutamine.
Molecular consequence: missense variant.
Genome position (GRCh38, 1-based): chr14:23,390,361, C>T on the plus strand (G>A on the coding strand, the complement: MYH6 is on the minus strand). VCF-style: chr14-23390361-C-T. GRCh37 (hg19) VCF-style: chr14-23859570-C-T.
Other names: short protein forms R1143Q.
Identifiers: ClinVar variation 228890 (VCV000228890.20), dbSNP rs543585784, ClinGen allele CA7115184.

ClinVar aggregate classification (germline): Conflicting classifications of pathogenicity. Review status: criteria provided, conflicting classifications (1 of 4 stars). 7 submissions from 7 submitters: Uncertain significance (5); Likely benign (1). 1 of the submissions does not count toward it. Last evaluated 2026-03-04.

Conditions:
MYH6-related disorder. Also called: MYH6-Related Disorders; MYH6-related condition.
Cardiovascular phenotype. Identifiers: MedGen CN230736.
Cardiomyopathy (CMYO). Also called: Cardiomyopathies. Identifiers: Orphanet 167848, MedGen C0878544, MONDO:0004994, HP:0001638. Inheritance: Various modes of inheritance.
Hypertrophic cardiomyopathy 14. Identifiers: MedGen C2750467, MONDO:0013197, OMIM 613251.

Allele frequency attached by ClinVar (database versions not stated): gnomAD below 0.00001 and 0.00003; TOPMed 0.00001; 1000 Genomes Project 30x 0.00016; 1000 Genomes Project 0.00020.
gnomAD v4.1: 63 of 1,608,354 alleles (0.0039%); highest among the groups gnomAD compares: South Asian, 0.05%; no homozygotes.

Submissions (7):

PreventionGenetics, part of Exact Sciences
Classification: Uncertain significance for MYH6-related condition. Last evaluated: 2026-03-04. Review status: criteria provided, single submitter. Criteria: ACMG Guidelines, 2015. Collection method: clinical testing. Allele origin: germline.
Comment: The MYH6 c.3428G>A variant is predicted to result in the amino acid substitution p.Arg1143Gln. This variant has been reported in individuals with dilated cardiomyopathy (Table S2, Haskell et al. 2017. PubMed ID: 28611029; Table S2, Gorukmez et al. 2023. PubMed ID: 36964972) and in a case of sudden death (Sanchez et al. 2016. PubMed ID: 27930701). This variant is reported in 0.043% of alleles in individuals of South Asian descent in gnomAD and is interpreted as uncertain significance by most submitters in ClinVar (ClinVar ID: 228890). At this time, the clinical significance of this variant is uncertain due to the absence of conclusive functional and genetic evidence.

Labcorp Genetics (formerly Invitae), Labcorp
Classification: Uncertain significance for Hypertrophic cardiomyopathy 14. Last evaluated: 2025-12-14. Review status: criteria provided, single submitter. Criteria: Invitae Variant Classification Sherloc (09022015). Collection method: clinical testing. Allele origin: germline.
Comment: This sequence change replaces arginine, which is basic and polar, with glutamine, which is neutral and polar, at codon 1143 of the MYH6 protein (p.Arg1143Gln). This variant is present in population databases (rs543585784, gnomAD 0.04%), and has an allele count higher than expected for a pathogenic variant. This missense change has been observed in individual(s) with dilated cardiomyopathy (PMID: 27930701, 28611029, 36964972). ClinVar contains an entry for this variant (Variation ID: 228890). Invitae Evidence Modeling of protein sequence and biophysical properties (such as structural, functional, and spatial information, amino acid conservation, physicochemical variation, residue mobility, and thermodynamic stability) indicates that this missense variant is expected to disrupt MYH6 protein function with a positive predictive value of 80%. In summary, the available evidence is currently insufficient to determine the role of this variant in disease. Therefore, it has been classified as a Variant of Uncertain Significance.

Ambry Genetics
Classification: Uncertain significance for Cardiovascular phenotype. Last evaluated: 2025-04-23. Review status: criteria provided, single submitter. Criteria: Ambry Variant Classification Scheme 2023. Collection method: clinical testing. Allele origin: germline.
Comment: The p.R1143Q variant (also known as c.3428G>A), located in coding exon 24 of the MYH6 gene, results from a G to A substitution at nucleotide position 3428. The arginine at codon 1143 is replaced by glutamine, an amino acid with highly similar properties. This alteration has been reported once in a sudden unexplained death cohort (Sanchez O et al. PLoS ONE, 2016 Dec;11:e0167358). This variant has also been reported in an exome sequencing cohort (Gorukmez O et al. Am J Med Genet A, 2023 Jun;191:1557-1564). This amino acid position is highly conserved in available vertebrate species. In addition, the in silico prediction for this alteration is inconclusive. Since supporting evidence is limited at this time, the clinical significance of this alteration remains unclear.

GeneDx
Classification: Uncertain significance. Last evaluated: 2024-12-16. Review status: criteria provided, single submitter. Criteria: GeneDx Variant Classification Process June 2021. Collection method: clinical testing. Allele origin: germline. Affected: yes.
Comment: In silico analysis indicates that this missense variant does not alter protein structure/function; This variant is associated with the following publications: (PMID: 28611029, 27930701, 36964972)

CHEO Genetics Diagnostic Laboratory, Children's Hospital of Eastern Ontario
Classification: Likely benign for Cardiomyopathy. Last evaluated: 2020-10-27. Review status: criteria provided, single submitter. Criteria: ACMG Guidelines, 2015. Collection method: clinical testing. Allele origin: germline.

Laboratory for Molecular Medicine, Mass General Brigham Personalized Medicine
Classification: Uncertain significance. Last evaluated: 2015-01-29. Review status: criteria provided, single submitter. Criteria: LMM Criteria. Collection method: clinical testing. Allele origin: germline. Observed: 1 variant allele.
Comment: The p.Arg1143Gln variant in MYH6 has not been previously reported in individuals with cardiomyopathy, but has been identified in 9/15338 South Asian chromosomes by the Exome Aggregation Consortium (ExAC; dbSN P rs543585784). Computational prediction tools and conservation analysis do not provide strong support for or against an impact to the protein. In summary, the clinical significance of the p.Arg1143Gln variant is uncertain.

Department of Pathology and Laboratory Medicine, Sinai Health System
Classification: Uncertain significance. Review status: no assertion criteria provided. Collection method: clinical testing. Allele origin: unknown. Affected: yes. Study: The Canadian Open Genetics Repository (COGR). Not counted in ClinVar's aggregate classification.
Comment: The MYH6 p.Arg1143Gln variant was identified in 2 of 1688 proband chromosomes (frequency: 0.00119) from one individual with cardiovascular disease and another individual with sudden unexplained death (Sanchez_2016_PMID:27930701; Haskell_2017_PMID:28611029). The variant was identified in dbSNP (ID: rs543585784) and ClinVar (classified as VUS by Illumina, Ambry Genetics and Laboratory for Molecular Medicine). The variant was not identified in COSMIC or LOVD 3.0. The variant was identified in control databases in 19 of 239592 chromosomes (0 homozygous) at a frequency of 0.000079 (Genome Aggregation Database March 6, 2019, v2.1.1). The variant was observed in the following populations: South Asian in 13 of 30216 chromosomes (freq: 0.00043), East Asian in 1 of 17930 chromosomes (freq: 0.000056), European (non-Finnish) in 4 of 108002 chromosomes (freq: 0.000037) and Latino in 1 of 34158 chromosomes (freq: 0.000029), but was not observed in the African, Ashkenazi Jewish, European (Finnish) or Other populations. The variant occurs outside of the splicing consensus sequence and in silico or computational prediction software programs (SpliceSiteFinder, MaxEntScan, NNSPLICE, GeneSplicer) do not predict a difference in splicing. The p.Arg1143 residue is conserved in mammals and computational analyses (PolyPhen-2, SIFT, AlignGVGD, BLOSUM, MutationTaster) provide inconsistent predictions regarding the impact to the protein; this information is not very predictive of pathogenicity. In summary, based on the above information the clinical significance of this variant cannot be determined with certainty at this time. This variant is classified as a variant of uncertain significance.

Literature cited by the submitters: PubMed 27930701 (cited by Labcorp Genetics (formerly Invitae), Labcorp and Ambry Genetics); PubMed 28611029 (cited by Labcorp Genetics (formerly Invitae), Labcorp and Ambry Genetics); PubMed 36964972 (cited by Labcorp Genetics (formerly Invitae), Labcorp and Ambry Genetics).